The following is an entry in ClinVar:

NM_024675.4(PALB2):c.431C>T (p.Pro144Leu)

Gene: PALB2 (partner and localizer of BRCA2; minus strand). Cytogenetic location: 16p12.2.
Variant type: single nucleotide variant.
Coding change: c.431C>T on transcript NM_024675.4 (MANE Select); coding-DNA position 431, C replaced by T.
Protein change: p.Pro144Leu; replaces proline 144 with leucine.
Molecular consequence: missense variant.
Genome position (GRCh38, 1-based): chr16:23,636,115, G>A on the plus strand (C>T on the coding strand, the complement: PALB2 is on the minus strand). VCF-style: chr16-23636115-G-A. GRCh37 (hg19) VCF-style: chr16-23647436-G-A.
Other names: short protein forms P144L.
Identifiers: ClinVar variation 1389094 (VCV001389094.7), dbSNP rs2142443551, ClinGen allele CA395137294.

ClinVar aggregate classification (germline): Uncertain significance (1 of 4 stars; one submission).

Conditions:
Familial cancer of breast. Also called: BREAST CANCER, FAMILIAL; Hereditary breast cancer; hereditary breast carcinoma. Identifiers: Orphanet 227535, MedGen C0346153, MONDO:0016419, OMIM 114480. Disease mechanism: loss of function.

Submission:

Labcorp Genetics (formerly Invitae), Labcorp
Classification: Uncertain significance for Familial cancer of breast. Last evaluated: 2022-09-07. Review status: criteria provided, single submitter. Criteria: Invitae Variant Classification Sherloc (09022015). Collection method: clinical testing. Allele origin: germline.
Comment: This sequence change replaces proline, which is neutral and non-polar, with leucine, which is neutral and non-polar, at codon 144 of the PALB2 protein (p.Pro144Leu). This variant is not present in population databases (gnomAD no frequency). This variant has not been reported in the literature in individuals affected with PALB2-related conditions. ClinVar contains an entry for this variant (Variation ID: 1389094). Algorithms developed to predict the effect of missense changes on protein structure and function output the following: SIFT: "Deleterious"; PolyPhen-2: "Benign"; Align-GVGD: "Class C0". The leucine amino acid residue is found in multiple mammalian species, which suggests that this missense change does not adversely affect protein function. In summary, the available evidence is currently insufficient to determine the role of this variant in disease. Therefore, it has been classified as a Variant of Uncertain Significance.